The following is an entry in ClinVar:

ClinVar aggregate classification (germline): Uncertain significance (1 of 4 stars; one submission).

Submission:

Labcorp Genetics (formerly Invitae), Labcorp
Classification: Uncertain significance. Last evaluated: 2022-11-01. Review status: criteria provided, single submitter. Criteria: Invitae Variant Classification Sherloc (09022015). Collection method: clinical testing. Allele origin: germline.
Comment: In summary, the available evidence is currently insufficient to determine the role of this variant in disease. Therefore, it has been classified as a Variant of Uncertain Significance. This sequence change replaces glycine, which is neutral and non-polar, with alanine, which is neutral and non-polar, at codon 267 of the ACAD9 protein (p.Gly267Ala). This variant is not present in population databases (gnomAD no frequency). This variant has not been reported in the literature in individuals affected with ACAD9-related conditions. ClinVar contains an entry for this variant (Variation ID: 1399545). Advanced modeling of protein sequence and biophysical properties (such as structural, functional, and spatial information, amino acid conservation, physicochemical variation, residue mobility, and thermodynamic stability) performed at Invitae indicates that this missense variant is not expected to disrupt ACAD9 protein function.

NM_014049.5(ACAD9):c.800G>C (p.Gly267Ala)

Gene: ACAD9 (acyl-CoA dehydrogenase family member 9; plus strand). Cytogenetic location: 3q21.3.
Variant type: single nucleotide variant.
Coding change: c.800G>C on transcript NM_014049.5 (MANE Select); coding-DNA position 800, G replaced by C.
Protein change: p.Gly267Ala; replaces glycine 267 with alanine.
Molecular consequence: missense variant. On other transcripts: non-coding transcript variant (1).
Genome position (GRCh38, 1-based): chr3:128,899,453, G>C. VCF-style: chr3-128899453-G-C. GRCh37 (hg19) VCF-style: chr3-128618296-G-C.
Other names: short protein forms G267A.
Identifiers: ClinVar variation 1399545 (VCV001399545.6), dbSNP rs764896398, ClinGen allele CA354434817.